The following is an entry in ClinVar:

NM_144997.7(FLCN):c.1309del (p.Val437fs)

Gene: FLCN (folliculin; minus strand). Cytogenetic location: 17p11.2.
Variant type: Deletion.
Coding change: c.1309del on transcript NM_144997.7 (MANE Select); coding-DNA position 1309, one base deleted (G; older notation c.1309delG).
Protein change: p.Val437fs; shifts the reading frame from valine 437.
Molecular consequence: frameshift variant.
Genome position (GRCh38, 1-based): chr17:17,215,308, C deleted on the plus strand (G on the coding strand, the reverse complement: FLCN is on the minus strand). VCF-style (leftmost placement, unchanged base first): chr17-17215307-AC-A. GRCh37 (hg19) VCF-style: chr17-17118621-AC-A.
Other names: p.Val437Serfs*31; c.1363del, p.Val455fs (NM_001353229.2); c.1309del, p.Val437fs (NM_001353230.2, NM_001353231.2); short protein forms V455fs, V437fs.
Identifiers: ClinVar variation 1769597 (VCV001769597.3), dbSNP rs2544148969, ClinGen allele CA2580092709.
Genomic context (GRCh38, chr17:17,215,307, plus strand): 5'-TCATCCTCACACCCCACAGGGTGGAGGGTGGAACGTGCGGCTGCGTGGACCTCCACGATG[AC>A]AGCAAACTCTGTAACAACACAAGGCCCGTGGCTCCTCATCTCCCCCATGCTCCTCACCTC-3'

ClinVar aggregate classification (germline): Pathogenic/Likely pathogenic. Review status: criteria provided, multiple submitters, no conflicts (2 of 4 stars). 2 submissions from 2 submitters: Pathogenic (1); Likely pathogenic (1). Last evaluated 2024-04-02.

Conditions:
Hereditary cancer-predisposing syndrome. Also called: Hereditary Cancer Syndrome; Hereditary neoplastic syndrome; Neoplastic Syndromes, Hereditary; Tumor predisposition. Identifiers: Orphanet 140162, MedGen C0027672, MeSH D009386, MONDO:0015356.

Submissions (2):

Mayo Clinic Laboratories, Mayo Clinic
Classification: Likely pathogenic. Last evaluated: 2024-04-02. Review status: criteria provided, single submitter. Criteria: ACMG Guidelines, 2015. Collection method: clinical testing. Allele origin: germline. Observed: 1 variant allele.
Comment: PM2, PVS1

Ambry Genetics
Classification: Pathogenic for Hereditary cancer-predisposing syndrome. Last evaluated: 2020-08-21. Review status: criteria provided, single submitter. Criteria: Ambry Variant Classification Scheme 2023. Collection method: clinical testing. Allele origin: germline.
Comment: The c.1309delG pathogenic mutation, located in coding exon 9 of the FLCN gene, results from a deletion of one nucleotide at nucleotide position 1309, causing a translational frameshift with a predicted alternate stop codon (p.V437Sfs*31). This alteration is expected to result in loss of function by premature protein truncation or nonsense-mediated mRNA decay. As such, this alteration is interpreted as a disease-causing mutation.